The following is an entry in ClinVar:

ClinVar aggregate classification (germline): Likely benign. Review status: criteria provided, multiple submitters, no conflicts (2 of 4 stars). 4 submissions from 4 submitters: Likely benign (4). Last evaluated 2025-11-06.

Conditions:
CACNB2-related disorder. Also called: CACNB2-related condition.
Cardiovascular phenotype. Identifiers: MedGen CN230736.
Brugada syndrome 4 (BRGDA4). Identifiers: Orphanet 130, MedGen C2678477, MONDO:0012743, OMIM 611876.

Allele frequency attached by ClinVar (database versions not stated): gnomAD 0.00001; ExAC 0.00002; gnomAD exomes 0.00002.
gnomAD v4.1: 28 of 1,613,502 alleles (0.0017%); highest among the groups gnomAD compares: Middle Eastern, 0.033%; no homozygotes.

Submissions (4):

Labcorp Genetics (formerly Invitae), Labcorp
Classification: Likely benign for Brugada syndrome 4. Last evaluated: 2025-11-06. Review status: criteria provided, single submitter. Criteria: Invitae Variant Classification Sherloc (09022015). Collection method: clinical testing. Allele origin: germline.

PreventionGenetics, part of Exact Sciences
Classification: Likely benign for CACNB2-related condition. Last evaluated: 2025-05-09. Review status: criteria provided, single submitter. Criteria: ACMG Guidelines, 2015. Collection method: clinical testing. Allele origin: germline.
Comment: This variant is classified as likely benign based on ACMG/AMP sequence variant interpretation guidelines (Richards et al. 2015 PMID: 25741868, with internal and published modifications).

Blueprint Genetics
Classification: Likely benign. Last evaluated: 2024-07-30. Review status: criteria provided, single submitter. Criteria: ACMG Guidelines, 2015. Collection method: clinical testing. Allele origin: germline.

Ambry Genetics
Classification: Likely benign for Cardiovascular phenotype. Last evaluated: 2022-07-10. Review status: criteria provided, single submitter. Criteria: Ambry Variant Classification Scheme 2023. Collection method: clinical testing. Allele origin: germline.

NM_201596.3(CACNB2):c.1857C>T (p.Asn619=)

Gene: CACNB2 (calcium voltage-gated channel auxiliary subunit beta 2; plus strand). Cytogenetic location: 10p12.31.
Variant type: single nucleotide variant.
Coding change: c.1857C>T on transcript NM_201596.3 (MANE Select); coding-DNA position 1857, C replaced by T.
Protein change: p.Asn619=; no amino-acid change (asparagine 619 retained).
Molecular consequence: synonymous variant.
Genome position (GRCh38, 1-based): chr10:18,539,598, C>T. VCF-style: chr10-18539598-C-T. GRCh37 (hg19) VCF-style: chr10-18828527-C-T.
Other names: c.1692C>T, p.Asn564= (NM_000724.4); c.1659C>T, p.Asn553= (NM_001167945.2); c.1578C>T, p.Asn526= (NM_001330060.2); c.1713C>T, p.Asn571= (NM_201570.3); c.1773C>T, p.Asn591= (NM_201571.4); c.1701C>T, p.Asn567= (NM_201572.4); c.1695C>T, p.Asn565= (NM_201590.3); c.1743C>T, p.Asn581= (NM_201593.3); and 1 more.
Identifiers: ClinVar variation 1621412 (VCV001621412.12), dbSNP rs774096122, ClinGen allele CA5430186.
Genomic context (GRCh38, chr10:18,539,598, plus strand): 5'-CCACAGACACAGGGAGTCCCGGCACCGTTCCCGGGACGTGGATCGAGAGCAGGACCACAA[C>T]GAGTGCAACAAGCAGCGCAGCCGTCATAAATCCAAGGATCGCTACTGTGAAAAGGATGGA-3'
Protein context (NP_963890.2, residues 609-629): SRDVDREQDH[Asn619=]ECNKQRSRHK